The following is an entry in ClinVar:

NM_001308093.3(GATA4):c.779G>A (p.Arg260His)

Gene: GATA4 (GATA binding protein 4). Cytogenetic location: 8p23.1.
Variant type: single nucleotide variant.
Coding change: c.779G>A on transcript NM_001308093.3 (MANE Select); coding-DNA position 779, G replaced by A.
Protein change: p.Arg260His; replaces arginine 260 with histidine.
Molecular consequence: missense variant.
Genome position (GRCh38, 1-based): chr8:11,749,078, G>A. VCF-style: chr8-11749078-G-A. GRCh37 (hg19) VCF-style: chr8-11606587-G-A.
Other names: c.158G>A, p.Arg53His (NM_001308094.2, NM_001374273.1, NM_001374274.1); c.776G>A, p.Arg259His (NM_002052.5); short protein forms R259H, R53H, R260H.
Identifiers: ClinVar variation 1045863 (VCV001045863.9), dbSNP rs1188422407, ClinGen allele CA370312877.

ClinVar aggregate classification (germline): Uncertain significance. Review status: criteria provided, multiple submitters, no conflicts (2 of 4 stars). 2 submissions from 2 submitters: Uncertain significance (2). Last evaluated 2025-09-22.

Conditions:
Atrioventricular septal defect 4 (AVSD4). Identifiers: MedGen C3280781, MONDO:0013747, OMIM 614430.

Allele frequency attached by ClinVar (database versions not stated): gnomAD exomes below 0.00001 and 0.00001.
gnomAD v4.1: 7 of 1,614,126 alleles (0.00043%); highest among the groups gnomAD compares: South Asian, 0.0011%; no homozygotes.

Submissions (2):

Labcorp Genetics (formerly Invitae), Labcorp
Classification: Uncertain significance for Atrioventricular septal defect 4. Last evaluated: 2025-09-22. Review status: criteria provided, single submitter. Criteria: Invitae Variant Classification Sherloc (09022015). Collection method: clinical testing. Allele origin: germline.
Comment: This sequence change replaces arginine, which is basic and polar, with histidine, which is basic and polar, at codon 259 of the GATA4 protein (p.Arg259His). This variant is present in population databases (no rsID available, gnomAD 0.0009%). This variant has not been reported in the literature in individuals affected with GATA4-related conditions. ClinVar contains an entry for this variant (Variation ID: 1045863). Invitae Evidence Modeling of protein sequence and biophysical properties (such as structural, functional, and spatial information, amino acid conservation, physicochemical variation, residue mobility, and thermodynamic stability) has been performed for this missense variant. However, the output from this modeling did not meet the statistical confidence thresholds required to predict the impact of this variant on GATA4 protein function. In summary, the available evidence is currently insufficient to determine the role of this variant in disease. Therefore, it has been classified as a Variant of Uncertain Significance.

Blueprint Genetics
Classification: Uncertain significance. Last evaluated: 2021-06-15. Review status: criteria provided, single submitter. Criteria: ACMG Guidelines, 2015. Collection method: clinical testing. Allele origin: germline.